The following is an entry in ClinVar:

ClinVar aggregate classification (germline): Uncertain significance (1 of 4 stars; one submission).

Submission:

Labcorp Genetics (formerly Invitae), Labcorp
Classification: Uncertain significance. Last evaluated: 2021-09-18. Review status: criteria provided, single submitter. Criteria: Invitae Variant Classification Sherloc (09022015). Collection method: clinical testing. Allele origin: germline.
Comment: In summary, the available evidence is currently insufficient to determine the role of this variant in disease. Therefore, it has been classified as a Variant of Uncertain Significance. Advanced modeling of protein sequence and biophysical properties (such as structural, functional, and spatial information, amino acid conservation, physicochemical variation, residue mobility, and thermodynamic stability) performed at Invitae indicates that this missense variant is expected to disrupt NSD1 protein function. This variant is not present in population databases (ExAC no frequency). This sequence change replaces aspartic acid with glycine at codon 1803 of the NSD1 protein (p.Asp1803Gly). The aspartic acid residue is moderately conserved and there is a moderate physicochemical difference between aspartic acid and glycine. This variant has not been reported in the literature in individuals affected with NSD1-related conditions.

NM_022455.5(NSD1):c.5408A>G (p.Asp1803Gly)

Genes: NSD1 (nuclear receptor binding SET domain protein 1; plus strand), LOC126807619 (MED14-independent group 3 enhancer GRCh37_chr5:176696443-176697642; plus strand). Cytogenetic location: 5q35.3.
Variant type: single nucleotide variant.
Coding change: c.5408A>G on transcript NM_022455.5 (MANE Select); coding-DNA position 5408, A replaced by G.
Protein change: p.Asp1803Gly; replaces aspartic acid 1803 with glycine.
Molecular consequence: missense variant.
Genome position (GRCh38, 1-based): chr5:177,269,706, A>G. VCF-style: chr5-177269706-A-G. GRCh37 (hg19) VCF-style: chr5-176696707-A-G.
Other names: c.4535A>G, p.Asp1512Gly (NM_001365684.2, NM_001409308.1, NM_001409309.1 and 1 more transcripts); c.5408A>G, p.Asp1803Gly (NM_001409301.1, NM_001409302.1, NM_001409303.1); c.4988A>G, p.Asp1663Gly (NM_001409304.1); c.4655A>G, p.Asp1552Gly (NM_001409305.1); c.4646A>G, p.Asp1549Gly (NM_001409306.1, NM_001409307.1); short protein forms D1803G, D1534G, D1512G, D1549G, D1552G, D1663G.
Identifiers: ClinVar variation 1371530 (VCV001371530.6), dbSNP rs2149934442, ClinGen allele CA362306964.
Genomic context (GRCh38, chr5:177,269,706, plus strand): 5'-ACATTGATAAGATGAGACATGATGTGGGAGAGTTCCCAGTCCTCTTTTTTGGATCTAATG[A>G]CTATTTGTGGACTCACCAGGCCCGAGTCTTCCCTTACATGGAGGGTGACGTGAGCAGCAA-3'
Protein context (NP_071900.2, residues 1793-1813): EFPVLFFGSN[Asp1803Gly]YLWTHQARVF